The following is an entry in ClinVar:

NM_024301.5(FKRP):c.1441C>G (p.Pro481Ala)

Gene: FKRP (fukutin related protein; plus strand). Cytogenetic location: 19q13.32.
Variant type: single nucleotide variant.
Coding change: c.1441C>G on transcript NM_024301.5 (MANE Select); coding-DNA position 1441, C replaced by G.
Protein change: p.Pro481Ala; replaces proline 481 with alanine.
Molecular consequence: missense variant.
Genome position (GRCh38, 1-based): chr19:46,756,891, C>G. VCF-style: chr19-46756891-C-G. GRCh37 (hg19) VCF-style: chr19-47260148-C-G.
Other names: c.1441C>G, p.Pro481Ala (NM_001039885.3); short protein forms P481A.
Identifiers: ClinVar variation 290177 (VCV000290177.33), dbSNP rs745774108, ClinGen allele CA9532323.

ClinVar aggregate classification (germline): Conflicting classifications of pathogenicity. Review status: criteria provided, conflicting classifications (1 of 4 stars). 6 submissions from 6 submitters: Uncertain significance (5); Likely benign (1). Last evaluated 2026-07-23.

Conditions:
Walker-Warburg congenital muscular dystrophy. Also called: Muscular dystrophy-dystroglycanopathy, type A; Walker-Warburg syndrome. Identifiers: Orphanet 899, MedGen C0265221, MONDO:0000171.
Myopathy caused by variation in FKRP. Identifiers: MedGen CN305637, MONDO:0700066.
Cardiovascular phenotype. Identifiers: MedGen CN230736.

Allele frequency attached by ClinVar (database versions not stated): gnomAD exomes 0.00005 and 0.00011; gnomAD 0.00007 and 0.00009; TOPMed 0.00007; ExAC 0.00009.
gnomAD v4.1: 85 of 1,612,830 alleles (0.0053%); highest among the groups gnomAD compares: Non-Finnish European, 0.0013%; no homozygotes.

Submissions (6):

GeneDx
Classification: Uncertain significance. Last evaluated: 2026-07-23. Review status: criteria provided, single submitter. Criteria: GeneDx Variant Classification Process June 2021. Collection method: clinical testing. Allele origin: germline.
Comment: In silico analysis supports that this missense variant has a deleterious effect on protein structure/function; Missense variants in this gene are a common cause of disease and they are underrepresented in the general population; Observed in a patient from a cohort of individuals with limb-girdle muscular weakness; a second variant in FKRP was not identified (PMID: 39678382); This variant is associated with the following publications: (PMID: 37688281, 27439679, 30564623, 39678382)

Labcorp Genetics (formerly Invitae), Labcorp
Classification: Likely benign for Walker-Warburg congenital muscular dystrophy. Last evaluated: 2026-02-01. Review status: criteria provided, single submitter. Criteria: Invitae Variant Classification Sherloc (09022015). Collection method: clinical testing. Allele origin: germline.

Ambry Genetics
Classification: Uncertain significance for Cardiovascular phenotype. Last evaluated: 2025-10-07. Review status: criteria provided, single submitter. Criteria: Ambry Variant Classification Scheme 2023. Collection method: clinical testing. Allele origin: germline.
Comment: The p.P481A variant (also known as c.1441C>G), located in coding exon 1 of the FKRP gene, results from a C to G substitution at nucleotide position 1441. The proline at codon 481 is replaced by alanine, an amino acid with highly similar properties. This variant has been identified in the homozygous state and/or in conjunction with other FKRP variant(s) in individual(s) with features consistent with dystroglycanopathies (Nallamilli BRR et al. Ann Clin Transl Neurol, 2023 Nov;10:2092-2104). This amino acid position is highly conserved in available vertebrate species. In addition, this alteration is predicted to be deleterious by in silico analysis. Based on the available evidence, the clinical significance of this variant remains unclear.

Myriad Genetics, Inc.
Classification: Uncertain significance for Myopathy caused by variation in FKRP. Last evaluated: 2025-08-19. Review status: criteria provided, single submitter. Criteria: Myriad Autosomal Dominant, Autosomal Recessive and X-Linked Classification Criteria (2023). Collection method: clinical testing. Allele origin: unknown.
Comment: NM_024301.4(FKRP):c.1441C>G(P481A) is a missense variant classified as a variant of uncertain significance in the context of FKRP-related disorders. P481A has been observed in a case with relevant disease (PMID: 37688281). Relevant functional assessments of this variant are not available in the literature. P481A has been observed in referenced population frequency databases. In summary, there is insufficient evidence to classify NM_024301.4(FKRP):c.1441C>G(P481A) as pathogenic or benign. Please note: this variant was assessed in the context of healthy population screening.

Revvity Omics, Revvity
Classification: Uncertain significance. Last evaluated: 2020-11-24. Review status: criteria provided, single submitter. Criteria: ACMG Guidelines, 2015. Collection method: clinical testing. Allele origin: germline.

Eurofins Ntd Llc (ga)
Classification: Uncertain significance. Last evaluated: 2018-05-29. Review status: criteria provided, single submitter. Criteria: EGL ClinVar v180209 classification definitions. Collection method: clinical testing. Allele origin: germline. Observed: 3 variant alleles, 3 heterozygotes.

Literature cited by the submitters: PubMed 37688281 (cited by Ambry Genetics and Myriad Genetics, Inc.).